The following is an entry in ClinVar:

ClinVar aggregate classification (germline): Uncertain significance (1 of 4 stars; one submission).

Conditions:
Hereditary cancer-predisposing syndrome. Also called: Neoplastic Syndromes, Hereditary; Hereditary Cancer Syndrome; Hereditary neoplastic syndrome; Tumor predisposition. Identifiers: Orphanet 140162, MedGen C0027672, MeSH D009386, MONDO:0015356.

Allele frequency attached by ClinVar (database versions not stated): gnomAD exomes below 0.00001.
gnomAD v4.1: 1 of 1,613,972 alleles (0.000062%); highest among the groups gnomAD compares: Non-Finnish European, 0.000085%; no homozygotes.

Submission:

Ambry Genetics
Classification: Uncertain significance for Hereditary cancer-predisposing syndrome. Last evaluated: 2023-06-10. Review status: criteria provided, single submitter. Criteria: Ambry Variant Classification Scheme 2023. Collection method: clinical testing. Allele origin: germline.
Comment: The p.S83T variant (also known as c.247T>A), located in coding exon 5 of the SDHC gene, results from a T to A substitution at nucleotide position 247. The serine at codon 83 is replaced by threonine, an amino acid with similar properties. This amino acid position is conserved. In addition, the in silico prediction for this alteration is inconclusive. Since supporting evidence is limited at this time, the clinical significance of this alteration remains unclear.

NM_003001.5(SDHC):c.247T>A (p.Ser83Thr)

Gene: SDHC (succinate dehydrogenase complex subunit C; plus strand). Cytogenetic location: 1q23.3.
Variant type: single nucleotide variant.
Coding change: c.247T>A on transcript NM_003001.5 (MANE Select); coding-DNA position 247, T replaced by A.
Protein change: p.Ser83Thr; replaces serine 83 with threonine.
Molecular consequence: missense variant. On other transcripts: non-coding transcript variant (1), intron variant (3).
Genome position (GRCh38, 1-based): chr1:161,356,682, T>A. VCF-style: chr1-161356682-T-A. GRCh37 (hg19) VCF-style: chr1-161326472-T-A.
Other names: c.145T>A, p.Ser49Thr (NM_001035512.3); c.88T>A, p.Ser30Thr (NM_001035513.3); c.367T>A, p.Ser123Thr (NM_001407115.1); c.190T>A, p.Ser64Thr (NM_001407116.1); c.184T>A, p.Ser62Thr (NM_001407117.1); c.139T>A, p.Ser47Thr (NM_001407118.1); c.136T>A, p.Ser46Thr (NM_001407119.1, NM_001407120.1); c.242-5647T>A (NM_001035511.3); and 2 more; short protein forms S123T, S46T, S64T, S47T, S83T, S49T, S62T, S30T.
Identifiers: ClinVar variation 2560327 (VCV002560327.2), dbSNP rs1558182753, ClinGen allele CA343456221.